The following is an entry in ClinVar:

NM_014915.3(ANKRD26):c.128G>C (p.Arg43Pro)

Genes: ANKRD26 (ankyrin repeat domain 26; minus strand), LOC130003554 (ATAC-STARR-seq lymphoblastoid silent region 2243; plus strand). Cytogenetic location: 10p12.1.
Variant type: single nucleotide variant.
Coding change: c.128G>C on transcript NM_014915.3 (MANE Select); coding-DNA position 128, G replaced by C.
Protein change: p.Arg43Pro; replaces arginine 43 with proline.
Molecular consequence: missense variant.
Genome position (GRCh38, 1-based): chr10:27,100,199, C>G on the plus strand (G>C on the coding strand, the complement: ANKRD26 is on the minus strand). VCF-style: chr10-27100199-C-G. GRCh37 (hg19) VCF-style: chr10-27389128-C-G.
Other names: c.128G>C, p.Arg43Pro (NM_001256053.2); short protein forms R43P.
Identifiers: ClinVar variation 4700299 (VCV004700299.1).
Genomic context (GRCh38, chr10:27,100,199, plus strand): 5'-TGCACTTTCGCCACATTACCCGCGCTGGCAGCTTTGTGGATCTTGCCGAGATCTCGGTCT[C>G]GGACGTGGTAGCCGGGCTGCGAGTAGGCGCCCTCCCCCGGCTCGCCCCCGCCTCCCGCGC-3'
Protein context (NP_055730.2, residues 33-53): GAYSQPGYHV[Arg43Pro]DRDLGKIHKA

ClinVar aggregate classification (germline): Uncertain significance (1 of 4 stars; one submission).

gnomAD v4.1: 5 of 1,613,804 alleles (0.00031%); highest among the groups gnomAD compares: Middle Eastern, 0.016%; no homozygotes.

Submission:

Labcorp Genetics (formerly Invitae), Labcorp
Classification: Uncertain significance. Last evaluated: 2025-03-09. Review status: criteria provided, single submitter. Criteria: Invitae Variant Classification Sherloc (09022015). Collection method: clinical testing. Allele origin: germline.
Comment: This sequence change replaces arginine, which is basic and polar, with proline, which is neutral and non-polar, at codon 43 of the ANKRD26 protein (p.Arg43Pro). This variant is present in population databases (no rsID available, gnomAD 0.0009%). This variant has not been reported in the literature in individuals affected with ANKRD26-related conditions. An algorithm developed to predict the effect of missense changes on protein structure and function outputs the following: PolyPhen-2: "Benign". The proline amino acid residue is found in multiple mammalian species, which suggests that this missense change does not adversely affect protein function. In summary, the available evidence is currently insufficient to determine the role of this variant in disease. Therefore, it has been classified as a Variant of Uncertain Significance.